The following is an entry in ClinVar:

NM_000169.3(GLA):c.801+48T>G

Genes: GLA (galactosidase alpha; minus strand), RPL36A-HNRNPH2 (RPL36A-HNRNPH2 readthrough; plus strand). Cytogenetic location: Xq22.1.
Variant type: single nucleotide variant.
Coding change: c.801+48T>G on transcript NM_000169.3 (MANE Select); 48 bases into the intron after coding-DNA position 801, T replaced by G.
Molecular consequence: intron variant.
Genome position (GRCh38, 1-based): chrX:101,398,737, A>C on the plus strand (T>G on the coding strand, the complement: GLA is on the minus strand). VCF-style: chrX-101398737-A-C. GRCh37 (hg19) VCF-style: chrX-100653725-A-C.
Other names: c.300+3280A>C (NM_001199973.2); c.177+6915A>C (NM_001199974.2); c.924+48T>G (NM_001406747.1); c.801+48T>G (NM_001406748.1).
Identifiers: ClinVar variation 4087131 (VCV004087131.2).

ClinVar aggregate classification (germline): Pathogenic (1 of 4 stars; one submission).

Conditions:
Fabry disease. Also called: ALPHA-GALACTOSIDASE A DEFICIENCY; ANDERSON-FABRY DISEASE; CERAMIDE TRIHEXOSIDASE DEFICIENCY; GLA DEFICIENCY; HEREDITARY DYSTOPIC LIPIDOSIS; Angiokeratoma corporis diffusum. Identifiers: Orphanet 324, MedGen C0002986, MONDO:0010526, OMIM 301500, HP:0001071. Disease mechanism: Fabry disease is due to inactivating mutations in the X-linked GLA gene resulting in deficiency of the enzyme Alpha Galactosidase-A., loss of function.

Submission:

Genomenon, Inc
Classification: Pathogenic for Fabry disease. Last evaluated: 2026-09-08. Review status: criteria provided, single submitter. Criteria: Genomenon Sequence Variant Interpretation Standards - Updated. Collection method: curation. Allele origin: germline. Affected: yes.
Comment: GLA c.801+48T>G is an intronic variant located in intron 5. This variant has been observed in at least one proband with clinical features consistent with Fabry disease (PMID:35338595;24173410;34011439;39870877). The variant was found to segregate with disease in at least one affected family (PMID:35338595). Functional or patient cell studies have been reported (PMID:35338595;24173410). At least one splicing study has demonstrated that this variant results in aberrant splicing (PMID:24173410;39870877). It is absent or not present at a significant frequency in gnomAD. In conclusion, we classify GLA c.801+48T>G as a pathogenic variant.

Literature cited by the submitters: PubMed 35338595; PubMed 24173410; PubMed 34011439; PubMed 39870877.